The following is an entry in ClinVar:

NM_001009944.3(PKD1):c.11713-5C>A

Gene: PKD1 (polycystin 1, transient receptor potential channel interacting; minus strand). Cytogenetic location: 16p13.3.
Variant type: single nucleotide variant.
Coding change: c.11713-5C>A on transcript NM_001009944.3 (MANE Select); 5 bases into the intron before coding-DNA position 11713, C replaced by A.
Molecular consequence: intron variant.
Genome position (GRCh38, 1-based): chr16:2,091,179, G>T on the plus strand (C>A on the coding strand, the complement: PKD1 is on the minus strand). VCF-style: chr16-2091179-G-T. GRCh37 (hg19) VCF-style: chr16-2141180-G-T.
Other names: c.11710-5C>A (NM_000296.4).
Identifiers: ClinVar variation 3042015 (VCV003042015.3), dbSNP rs778989685, ClinGen allele CA7828989.

ClinVar aggregate classification (germline): Likely benign. Review status: criteria provided, single submitter (1 of 4 stars). 2 submissions from 2 submitters: Likely benign (1). 1 of the submissions does not count toward it. Last evaluated 2024-10-21.

Conditions:
PKD1-related disorder. Also called: PKD1-related condition.

gnomAD v4.1: 79 of 1,404,466 alleles (0.0056%); highest among the groups gnomAD compares: Admixed American, 0.0093%; no homozygotes.

Submissions (2):

Blueprint Genetics
Classification: Likely benign. Last evaluated: 2024-10-21. Review status: criteria provided, single submitter. Criteria: ACMG Guidelines, 2015. Collection method: clinical testing. Allele origin: germline.

PreventionGenetics, part of Exact Sciences
Classification: Likely benign for PKD1-related condition. Last evaluated: 2022-08-23. Review status: no assertion criteria provided. Collection method: clinical testing. Allele origin: germline. Not counted in ClinVar's aggregate classification.
Comment: This variant is classified as likely benign based on ACMG/AMP sequence variant interpretation guidelines (Richards et al. 2015 PMID: 25741868, with internal and published modifications).